The following is an entry in ClinVar:

NM_033031.3(CCNB3):c.2051A>G (p.Asn684Ser)

Gene: CCNB3 (cyclin B3; plus strand). Cytogenetic location: Xp11.22.
Variant type: single nucleotide variant.
Coding change: c.2051A>G on transcript NM_033031.3 (MANE Select); coding-DNA position 2051, A replaced by G.
Protein change: p.Asn684Ser; replaces asparagine 684 with serine.
Molecular consequence: missense variant. On other transcripts: intron variant (1).
Genome position (GRCh38, 1-based): chrX:50,310,220, A>G. VCF-style: chrX-50310220-A-G. GRCh37 (hg19) VCF-style: chrX-50053220-A-G.
Other names: c.204+21333A>G (NM_033670.4); short protein forms N684S.
Identifiers: ClinVar variation 3139878 (VCV003139878.2), dbSNP rs782202179, ClinGen allele CA10414658.

ClinVar aggregate classification (germline): Uncertain significance (1 of 4 stars; one submission).

Allele frequency attached by ClinVar (database versions not stated): TOPMed 0.00002; ExAC 0.00003; gnomAD 0.00003; gnomAD exomes 0.00011.
gnomAD v4.1: 122 of 1,208,242 alleles (0.01%); highest among the groups gnomAD compares: Non-Finnish European, 0.013%; no homozygotes.

Submission:

Ambry Genetics
Classification: Uncertain significance. Last evaluated: 2025-12-22. Review status: criteria provided, single submitter. Criteria: Ambry Variant Classification Scheme 2023. Collection method: clinical testing. Allele origin: germline.
Comment: The c.2051A>G (p.N684S) alteration is located in exon 5 (coding exon 4) of the CCNB3 gene. This alteration results from a A to G substitution at nucleotide position 2051, causing the asparagine (N) at amino acid position 684 to be replaced by a serine (S). Based on data from gnomAD, the G allele has an overall frequency of 0.001% (2/197189) total alleles studied. The highest observed frequency was 0.002% (2/87980) of European (non-Finnish) alleles. Based on insufficient or conflicting evidence, the clinical significance of this alteration remains unclear.